The following is an entry in ClinVar:

ClinVar aggregate classification (germline): Uncertain significance. Review status: criteria provided, multiple submitters, no conflicts (2 of 4 stars). 2 submissions from 2 submitters: Uncertain significance (2). Last evaluated 2024-03-21.

Conditions:
Hereditary cancer-predisposing syndrome. Also called: Neoplastic Syndromes, Hereditary; Tumor predisposition; Hereditary neoplastic syndrome; Hereditary Cancer Syndrome. Identifiers: Orphanet 140162, MedGen C0027672, MeSH D009386, MONDO:0015356.
Oligodontia-cancer predisposition syndrome. Also called: TOOTH AGENESIS-COLORECTAL CANCER SYNDROME. Identifiers: Orphanet 300576, MedGen C1837750, MONDO:0012075, OMIM 608615. Disease mechanism: loss of function.

Allele frequency attached by ClinVar (database versions not stated): TOPMed 0.00001.

Submissions (2):

Ambry Genetics
Classification: Uncertain significance for Hereditary cancer-predisposing syndrome. Last evaluated: 2024-03-21. Review status: criteria provided, single submitter. Criteria: Ambry Variant Classification Scheme 2023. Collection method: clinical testing. Allele origin: germline.
Comment: The p.L333F variant (also known as c.997C>T), located in coding exon 3 of the AXIN2 gene, results from a C to T substitution at nucleotide position 997. The leucine at codon 333 is replaced by phenylalanine, an amino acid with highly similar properties. This amino acid position is conserved. In addition, the in silico prediction for this alteration is inconclusive. Based on the available evidence, the clinical significance of this alteration remains unclear.

Labcorp Genetics (formerly Invitae), Labcorp
Classification: Uncertain significance for Oligodontia-cancer predisposition syndrome. Last evaluated: 2021-04-14. Review status: criteria provided, single submitter. Criteria: Invitae Variant Classification Sherloc (09022015). Collection method: clinical testing. Allele origin: germline.
Comment: This variant has not been reported in the literature in individuals with AXIN2-related conditions. This variant is not present in population databases (ExAC no frequency). Algorithms developed to predict the effect of missense changes on protein structure and function are either unavailable or do not agree on the potential impact of this missense change (SIFT: "Tolerated"; PolyPhen-2: "Probably Damaging"; Align-GVGD: "Class C0"). In summary, the available evidence is currently insufficient to determine the role of this variant in disease. Therefore, it has been classified as a Variant of Uncertain Significance. This sequence change replaces leucine with phenylalanine at codon 333 of the AXIN2 protein (p.Leu333Phe). The leucine residue is highly conserved and there is a small physicochemical difference between leucine and phenylalanine.

NM_004655.4(AXIN2):c.997C>T (p.Leu333Phe)

Gene: AXIN2 (axin 2; minus strand). Cytogenetic location: 17q24.1.
Variant type: single nucleotide variant.
Coding change: c.997C>T on transcript NM_004655.4 (MANE Select); coding-DNA position 997, C replaced by T.
Protein change: p.Leu333Phe; replaces leucine 333 with phenylalanine.
Molecular consequence: missense variant.
Genome position (GRCh38, 1-based): chr17:65,541,517, G>A on the plus strand (C>T on the coding strand, the complement: AXIN2 is on the minus strand). VCF-style: chr17-65541517-G-A. GRCh37 (hg19) VCF-style: chr17-63537635-G-A.
Other names: c.997C>T (NM_004655.3); c.997C>T, p.Leu333Phe (NM_001363813.1); short protein forms L333F.
Identifiers: ClinVar variation 1387089 (VCV001387089.9), dbSNP rs1277969472, ClinGen allele CA400679308.